The following is an entry in ClinVar:

NM_015330.6(SPECC1L):c.1341G>C (p.Glu447Asp)

Genes: SPECC1L (sperm antigen with calponin homology and coiled-coil domains 1 like; plus strand), SPECC1L-ADORA2A (SPECC1L-ADORA2A readthrough (NMD candidate); plus strand). Cytogenetic location: 22q11.23.
Variant type: single nucleotide variant.
Coding change: c.1341G>C on transcript NM_015330.6 (MANE Select); coding-DNA position 1341, G replaced by C.
Protein change: p.Glu447Asp; replaces glutamic acid 447 with aspartic acid.
Molecular consequence: missense variant. On other transcripts: non-coding transcript variant (1).
Genome position (GRCh38, 1-based): chr22:24,322,321, G>C. VCF-style: chr22-24322321-G-C. GRCh37 (hg19) VCF-style: chr22-24718289-G-C.
Other names: c.1341G>C, p.Glu447Asp (NM_001145468.4, NM_001254732.3); short protein forms E447D.
Identifiers: ClinVar variation 4536499 (VCV004536499.1).

ClinVar aggregate classification (germline): Uncertain significance (1 of 4 stars; one submission).

gnomAD v4.1: 3 of 1,614,222 alleles (0.00019%); highest among the groups gnomAD compares: Non-Finnish European, 0.00025%; no homozygotes.

Submission:

GeneDx
Classification: Uncertain significance. Last evaluated: 2025-06-08. Review status: criteria provided, single submitter. Criteria: GeneDx Variant Classification Process June 2021. Collection method: clinical testing. Allele origin: germline. Affected: yes.
Comment: Not observed at significant frequency in large population cohorts (gnomAD); In silico analysis suggests that this missense variant does not alter protein structure/function; Has not been previously published as pathogenic or benign to our knowledge